The following is an entry in ClinVar:

NM_138694.4(PKHD1):c.2850del (p.Thr951fs)

Gene: PKHD1 (PKHD1 ciliary IPT domain containing fibrocystin/polyductin; minus strand). Cytogenetic location: 6p12.2.
Variant type: Deletion.
Coding change: c.2850del on transcript NM_138694.4 (MANE Select); coding-DNA position 2850, one base deleted (T; older notation c.2850delT).
Protein change: p.Thr951fs; shifts the reading frame from threonine 951.
Molecular consequence: frameshift variant.
Genome position (GRCh38, 1-based): chr6:52,043,106, A deleted on the plus strand (T on the coding strand, the reverse complement: PKHD1 is on the minus strand); the first of 2 consecutive A bases (chr6:52,043,106-52,043,107); deleting either gives the same sequence. VCF-style (leftmost placement, unchanged base first): chr6-52043105-TA-T. GRCh37 (hg19) VCF-style: chr6-51907903-TA-T.
Other names: c.2850del, p.Thr951fs (NM_170724.3); short protein forms T951fs.
Identifiers: ClinVar variation 1725884 (VCV001725884.2), dbSNP rs2533051142, ClinGen allele CA2580075478.
Genomic context (GRCh38, chr6:52,043,105, plus strand): 5'-AACTCGTTTTGTTCACTGTAACCTGCAAGAACTGGGAGTCACCAGAGAAACCAGTTCCGG[TA>T]ATGTAAATCATTAGGTTGATGTCACCATCTTAAAGGAGAAAAGAAATTAAAAAACAAATA-3'

ClinVar aggregate classification (germline): Likely pathogenic (1 of 4 stars; one submission).

Conditions:
Polycystic kidney disease 4 (PKD4). Also called: POLYCYSTIC KIDNEY AND HEPATIC DISEASE 1; POLYCYSTIC KIDNEY DISEASE, INFANTILE, TYPE I; POLYCYSTIC KIDNEY DISEASE 4 WITH OR WITHOUT POLYCYSTIC LIVER DISEASE; PKD3; Autosomal Recessive Polycystic Kidney Disease – PKHD1. Identifiers: MedGen C4540575, MONDO:0033004, OMIM 263200.

Submission:

Myriad Genetics, Inc.
Classification: Likely pathogenic for Polycystic kidney disease 4. Last evaluated: 2022-04-05. Review status: criteria provided, single submitter. Criteria: Myriad Women's Health Autosomal Recessive and X-Linked Classification Criteria (2021). Collection method: clinical testing. Allele origin: unknown.
Comment: NM_138694.3(PKHD1):c.2850delT(T951Pfs*16) is expected to be pathogenic in the context of autosomal recessive polycystic kidney disease, PKHD1-related. This variant is predicted to lead to an abnormal or absent protein product due to the creation of a premature termination codon in PKHD1, a gene where loss-of-function variants are known to be pathogenic. Please note: this variant was assessed in the context of healthy population screening.